The following is an entry in ClinVar:

NM_002529.4(NTRK1):c.2023A>G (p.Ile675Val)

Gene: NTRK1 (neurotrophic receptor tyrosine kinase 1; plus strand). Cytogenetic location: 1q23.1.
Variant type: single nucleotide variant.
Coding change: c.2023A>G on transcript NM_002529.4 (MANE Select); coding-DNA position 2023, A replaced by G.
Protein change: p.Ile675Val; replaces isoleucine 675 with valine.
Molecular consequence: missense variant.
Genome position (GRCh38, 1-based): chr1:156,879,339, A>G. VCF-style: chr1-156879339-A-G. GRCh37 (hg19) VCF-style: chr1-156849131-A-G.
Other names: c.2023A>G, p.Ile675Val (NM_001007204.1); c.1915A>G, p.Ile639Val (NM_001007792.1); c.2005A>G, p.Ile669Val (NM_001012331.2); short protein forms I639V, I669V, I675V.
Identifiers: ClinVar variation 2498433 (VCV002498433.28), dbSNP rs2102925203, ClinGen allele CA342940058.

ClinVar aggregate classification (germline): Uncertain significance (1 of 4 stars; one submission).

Allele frequency attached by ClinVar (database versions not stated): gnomAD exomes below 0.00001.
gnomAD v4.1: 2 of 1,608,926 alleles (0.00012%); highest among the groups gnomAD compares: South Asian, 0.0011%; no homozygotes.

Submission:

CeGaT Center for Human Genetics Tuebingen
Classification: Uncertain significance. Last evaluated: 2023-02-01. Review status: criteria provided, single submitter. Criteria: CeGaT Center For Human Genetics Tuebingen Variant Classification Criteria Version 2. Collection method: clinical testing. Allele origin: germline. Affected: yes. Observed: 1 variant allele.
Comment: NTRK1: PM2